The following is an entry in ClinVar:

NM_023068.4(SIGLEC1):c.262G>T (p.Glu88Ter)

Gene: SIGLEC1 (sialic acid binding Ig like lectin 1; minus strand). Cytogenetic location: 20p13.
Variant type: single nucleotide variant.
Coding change: c.262G>T on transcript NM_023068.4 (MANE Select); coding-DNA position 262, G replaced by T.
Protein change: p.Glu88Ter; replaces glutamic acid 88 with a stop codon.
Molecular consequence: nonsense.
Genome position (GRCh38, 1-based): chr20:3,706,494, C>A on the plus strand (G>T on the coding strand, the complement: SIGLEC1 is on the minus strand). VCF-style: chr20-3706494-C-A. GRCh37 (hg19) VCF-style: chr20-3687141-C-A.
Other names: c.262G>T, p.Glu88Ter (NM_001367089.1); short protein forms E88*.
Identifiers: ClinVar variation 2652187 (VCV002652187.24), dbSNP rs150358287, ClinGen allele CA9747476.

ClinVar aggregate classification (germline): Benign (1 of 4 stars; one submission).

Allele frequency attached by ClinVar (database versions not stated): 1000 Genomes Project 0.00639; 1000 Genomes Project 30x 0.00640; ESP Exome Variant Server 0.00807.

Submission:

CeGaT Center for Human Genetics Tuebingen
Classification: Benign. Last evaluated: 2025-01-01. Review status: criteria provided, single submitter. Criteria: CeGaT Center For Human Genetics Tuebingen Variant Classification Criteria Version 2. Collection method: clinical testing. Allele origin: germline. Affected: yes. Observed: 8 variant alleles.
Comment: SIGLEC1: BS1, BS2